The following is an entry in ClinVar:

NM_001256317.3(TMPRSS3):c.1272C>T (p.Cys424=)

Gene: TMPRSS3 (transmembrane serine protease 3; minus strand). Cytogenetic location: 21q22.3.
Variant type: single nucleotide variant.
Coding change: c.1272C>T on transcript NM_001256317.3 (MANE Select); coding-DNA position 1272, C replaced by T.
Protein change: p.Cys424=; no amino-acid change (cysteine 424 retained).
Molecular consequence: synonymous variant.
Genome position (GRCh38, 1-based): chr21:42,375,788, G>A on the plus strand (C>T on the coding strand, the complement: TMPRSS3 is on the minus strand). VCF-style: chr21-42375788-G-A. GRCh37 (hg19) VCF-style: chr21-43795897-G-A.
Other names: c.1275C>T, p.Cys425= (NM_024022.4); c.894C>T, p.Cys298= (NM_032404.3).
Identifiers: ClinVar variation 46101 (VCV000046101.42), dbSNP rs56178910, ClinGen allele CA137686.

ClinVar aggregate classification (germline): Conflicting classifications of pathogenicity. Review status: criteria provided, conflicting classifications (1 of 4 stars). 7 submissions from 7 submitters: Uncertain significance (1); Likely benign (5). 1 of the submissions does not count toward it. Last evaluated 2026-08-01.

Conditions:
TMPRSS3-related disorder. Also called: TMPRSS3-related condition.
Autosomal recessive nonsyndromic hearing loss 8 (DFNB8). Also called: Deafness, autosomal recessive 10; NEUROSENSORY NONSYNDROMIC RECESSIVE DEAFNESS 8. Identifiers: Orphanet 90636, MedGen C1832827, MONDO:0010987, OMIM 601072.

Allele frequency attached by ClinVar (database versions not stated): gnomAD 0.00039 and 0.00040; 1000 Genomes Project 0.00040; 1000 Genomes Project 30x 0.00047; ESP Exome Variant Server 0.00062; TOPMed 0.00037; gnomAD exomes 0.00045.
gnomAD v4.1: 709 of 1,613,612 alleles (0.044%); highest among the groups gnomAD compares: Middle Eastern, 0.12%; 1 homozygote.

Submissions (7):

CeGaT Center for Human Genetics Tuebingen
Classification: Likely benign. Last evaluated: 2026-08-01. Review status: criteria provided, single submitter. Criteria: CeGaT Center For Human Genetics Tuebingen Variant Classification Criteria Version 2. Collection method: clinical testing. Allele origin: germline. Affected: yes. Observed: 3 variant alleles.
Comment: TMPRSS3: BP4, BP7

Labcorp Genetics (formerly Invitae), Labcorp
Classification: Likely benign. Last evaluated: 2025-05-03. Review status: criteria provided, single submitter. Criteria: Invitae Variant Classification Sherloc (09022015). Collection method: clinical testing. Allele origin: germline.

Blueprint Genetics
Classification: Likely benign. Last evaluated: 2024-10-30. Review status: criteria provided, single submitter. Criteria: ACMG Guidelines, 2015. Collection method: clinical testing. Allele origin: germline.

GeneDx
Classification: Likely benign. Last evaluated: 2021-05-06. Review status: criteria provided, single submitter. Criteria: GeneDx Variant Classification Process June 2021. Collection method: clinical testing. Allele origin: germline. Affected: yes.
Comment: This variant is associated with the following publications: (PMID: 11907649)

Illumina Laboratory Services, Illumina
Classification: Uncertain significance for Autosomal recessive nonsyndromic hearing loss 8. Last evaluated: 2017-04-27. Review status: criteria provided, single submitter. Criteria: ICSL Variant Classification Criteria 13 December 2019. Collection method: clinical testing. Allele origin: germline.

Laboratory for Molecular Medicine, Mass General Brigham Personalized Medicine
Classification: Likely benign. Last evaluated: 2011-03-31. Review status: criteria provided, single submitter. Criteria: LMM Criteria. Collection method: clinical testing. Allele origin: germline. Observed: 5 variant alleles.
Comment: Cys425Cys in exon 12 of TMPRSS3: This variant was reported in 1 individual with hearing loss (Wattenhofer 2002). However, this variant is not expected to have c linical significance because it does not alter an amino acid residue, is not loc ated near a splice junction, and is listed in dbSNP (rs56178910).

PreventionGenetics, part of Exact Sciences
Classification: Likely benign for TMPRSS3-related condition. Last evaluated: 2019-11-11. Review status: no assertion criteria provided. Collection method: clinical testing. Allele origin: germline. Not counted in ClinVar's aggregate classification.
Comment: This variant is classified as likely benign based on ACMG/AMP sequence variant interpretation guidelines (Richards et al. 2015 PMID: 25741868, with internal and published modifications).

Literature cited by the submitters: PubMed 11907649 (cited by Laboratory for Molecular Medicine, Mass General Brigham Personalized Medicine).